The following is an entry in ClinVar:

NM_000521.4(HEXB):c.632G>C (p.Arg211Thr)

Gene: HEXB (hexosaminidase subunit beta; plus strand). Cytogenetic location: 5q13.3.
Variant type: single nucleotide variant.
Coding change: c.632G>C on transcript NM_000521.4 (MANE Select); coding-DNA position 632, G replaced by C.
Protein change: p.Arg211Thr; replaces arginine 211 with threonine.
Molecular consequence: missense variant. On other transcripts: 5 prime UTR variant (1).
Genome position (GRCh38, 1-based): chr5:74,697,069, G>C. VCF-style: chr5-74697069-G-C. GRCh37 (hg19) VCF-style: chr5-73992894-G-C.
Other names: c.-44G>C (NM_001292004.2); short protein forms R211T.
Identifiers: ClinVar variation 1989925 (VCV001989925.27), dbSNP rs761538803, ClinGen allele CA3305896.

ClinVar aggregate classification (germline): Uncertain significance. Review status: criteria provided, multiple submitters, no conflicts (2 of 4 stars). 3 submissions from 3 submitters: Uncertain significance (3). Last evaluated 2025-08-07.

Conditions:
Inborn genetic diseases. Identifiers: MedGen C0950123, MeSH D030342.
Sandhoff disease. Also called: Beta-hexosaminidase-beta-subunit deficiency; GM2 gangliosidosis, type 2; Total hexosaminidase deficiency; Sandhoff-Jatzkewitz-Pilz disease; GM2-GANGLIOSIDOSIS, TYPE II; HEXOSAMINIDASES A AND B DEFICIENCY. Identifiers: Orphanet 796, MedGen C0036161, MONDO:0010006, OMIM 268800.

Allele frequency attached by ClinVar (database versions not stated): gnomAD 0.00001; TOPMed 0.00001; ExAC 0.00002.
gnomAD v4.1: 25 of 1,550,238 alleles (0.0016%); highest among the groups gnomAD compares: Non-Finnish European, 0.002%; no homozygotes.

Submissions (3):

Ambry Genetics
Classification: Uncertain significance for Inborn genetic diseases. Last evaluated: 2025-08-07. Review status: criteria provided, single submitter. Criteria: Ambry Variant Classification Scheme 2023. Collection method: clinical testing. Allele origin: germline.

CeGaT Center for Human Genetics Tuebingen
Classification: Uncertain significance. Last evaluated: 2023-10-01. Review status: criteria provided, single submitter. Criteria: CeGaT Center For Human Genetics Tuebingen Variant Classification Criteria Version 2. Collection method: clinical testing. Allele origin: germline. Affected: yes. Observed: 1 variant allele.
Comment: HEXB: PM2

Labcorp Genetics (formerly Invitae), Labcorp
Classification: Uncertain significance for Sandhoff disease. Last evaluated: 2022-04-21. Review status: criteria provided, single submitter. Criteria: Invitae Variant Classification Sherloc (09022015). Collection method: clinical testing. Allele origin: germline.
Comment: This sequence change replaces arginine, which is basic and polar, with threonine, which is neutral and polar, at codon 211 of the HEXB protein (p.Arg211Thr). This variant is present in population databases (rs761538803, gnomAD 0.004%). This variant has not been reported in the literature in individuals affected with HEXB-related conditions. Advanced modeling of protein sequence and biophysical properties (such as structural, functional, and spatial information, amino acid conservation, physicochemical variation, residue mobility, and thermodynamic stability) performed at Invitae indicates that this missense variant is expected to disrupt HEXB protein function. In summary, the available evidence is currently insufficient to determine the role of this variant in disease. Therefore, it has been classified as a Variant of Uncertain Significance.